The following is an entry in ClinVar:

NM_000742.4(CHRNA2):c.325G>A (p.Val109Ile)

Gene: CHRNA2 (cholinergic receptor nicotinic alpha 2 subunit; minus strand). Cytogenetic location: 8p21.2.
Variant type: single nucleotide variant.
Coding change: c.325G>A on transcript NM_000742.4 (MANE Select); coding-DNA position 325, G replaced by A.
Protein change: p.Val109Ile; replaces valine 109 with isoleucine.
Molecular consequence: missense variant. On other transcripts: 5 prime UTR variant (4).
Genome position (GRCh38, 1-based): chr8:27,469,349, C>T on the plus strand (G>A on the coding strand, the complement: CHRNA2 is on the minus strand). VCF-style: chr8-27469349-C-T. GRCh37 (hg19) VCF-style: chr8-27326866-C-T.
Other names: c.280G>A, p.Val94Ile (NM_001282455.2); c.-148G>A (NM_001347705.2, NM_001347706.2); c.-134G>A (NM_001347707.2); c.-137G>A (NM_001347708.2); short protein forms V94I, V109I.
Identifiers: ClinVar variation 642948 (VCV000642948.9), dbSNP rs1341647863, ClinGen allele CA370812731.

ClinVar aggregate classification (germline): Conflicting classifications of pathogenicity. Review status: criteria provided, conflicting classifications (1 of 4 stars). 3 submissions from 3 submitters: Uncertain significance (2); Likely benign (1). Last evaluated 2025-03-11.

Conditions:
Familial sleep-related hypermotor epilepsy. Also called: Autosomal Dominant Sleep-Related Hypermotor (Hyperkinetic) Epilepsy. Identifiers: Orphanet 98784, MedGen C3696898, MONDO:0000030.
Inborn genetic diseases. Identifiers: MedGen C0950123, MeSH D030342.

Allele frequency attached by ClinVar (database versions not stated): gnomAD 0.00001; TOPMed 0.00001; gnomAD exomes 0.00001.
gnomAD v4.1: 18 of 1,556,636 alleles (0.0012%); highest among the groups gnomAD compares: South Asian, 0.0047%; no homozygotes.

Submissions (3):

Women's Health and Genetics/Laboratory Corporation of America, LabCorp
Classification: Uncertain significance. Last evaluated: 2025-03-11. Review status: criteria provided, single submitter. Criteria: LabCorp Variant Classification Summary - May 2015. Collection method: clinical testing. Allele origin: germline.
Comment: Variant summary: CHRNA2 c.325G>A (p.Val109Ile) results in a conservative amino acid change in the encoded protein sequence. Four of five in-silico tools predict a damaging effect of the variant on protein function. The variant allele was found at a frequency of 1.2e-05 in 164074 control chromosomes. The available data on variant occurrences in the general population are insufficient to allow any conclusion about variant significance. c.325G>A has been reported in the literature in an individual affected with seizures (Charzewska_2023). This report does not provide unequivocal conclusions about association of the variant with Autosomal Dominant Nocturnal Frontal Lobe Epilepsy 4. To our knowledge, no experimental evidence demonstrating an impact on protein function has been reported. The following publication has been ascertained in the context of this evaluation (PMID: 36674629). ClinVar contains an entry for this variant (Variation ID: 642948). Based on the evidence outlined above, the variant was classified as uncertain significance.

Labcorp Genetics (formerly Invitae), Labcorp
Classification: Likely benign. Last evaluated: 2024-10-31. Review status: criteria provided, single submitter. Criteria: Invitae Variant Classification Sherloc (09022015). Collection method: clinical testing. Allele origin: germline.

Ambry Genetics
Classification: Uncertain significance for Inborn genetic diseases. Last evaluated: 2024-08-13. Review status: criteria provided, single submitter. Criteria: Ambry Variant Classification Scheme 2023. Collection method: clinical testing. Allele origin: germline.

Literature cited by the submitters: PubMed 36674629 (cited by Women's Health and Genetics/Laboratory Corporation of America, LabCorp and Ambry Genetics).